The following is an entry in ClinVar:

NM_007294.4(BRCA1):c.802A>G (p.Asn268Asp)

Gene: BRCA1 (BRCA1 DNA repair associated; minus strand). Cytogenetic location: 17q21.31.
Variant type: single nucleotide variant.
Coding change: c.802A>G on transcript NM_007294.4 (MANE Select); coding-DNA position 802, A replaced by G.
Protein change: p.Asn268Asp; replaces asparagine 268 with aspartic acid.
Molecular consequence: missense variant. On other transcripts: 5 prime UTR variant (2), intron variant (137).
Genome position (GRCh38, 1-based): chr17:43,094,729, T>C on the plus strand (A>G on the coding strand, the complement: BRCA1 is on the minus strand). VCF-style: chr17-43094729-T-C. GRCh37 (hg19) VCF-style: chr17-41246746-T-C.
Other names: c.802A>G, p.Asn268Asp (NM_001407585.1, NM_001407593.1, NM_001407594.1 and 30 more transcripts); c.799A>G, p.Asn267Asp (NM_001407587.1, NM_001407590.1, NM_001407591.1 and 22 more transcripts); c.793A>G, p.Asn265Asp (NM_001407646.1, NM_001407647.1); c.679A>G, p.Asn227Asp (NM_001407648.1, NM_001407664.1, NM_001407665.1 and 19 more transcripts); c.676A>G, p.Asn226Asp (NM_001407649.1, NM_001407670.1, NM_001407671.1 and 11 more transcripts); c.724A>G, p.Asn242Asp (NM_001407653.1, NM_001407654.1, NM_001407655.1 and 4 more transcripts); c.721A>G, p.Asn241Asp (NM_001407659.1, NM_001407660.1, NM_001407661.1 and 1 more transcripts); c.661A>G, p.Asn221Asp (NM_001407692.1, NM_001407694.1, NM_001407695.1 and 29 more transcripts); and 40 more; short protein forms N268D, N221D, N200D, N201D, N226D, N267D, N180D, N242D.
Identifiers: ClinVar variation 482933 (VCV000482933.11), dbSNP rs1555593066, ClinGen allele CA10600479.

ClinVar aggregate classification (germline): Conflicting classifications of pathogenicity. Review status: criteria provided, conflicting classifications (1 of 4 stars). 3 submissions from 3 submitters: Uncertain significance (2); Likely benign (1). Last evaluated 2025-03-31.

Conditions:
Hereditary cancer-predisposing syndrome. Also called: Neoplastic Syndromes, Hereditary; Tumor predisposition; Hereditary Cancer Syndrome; Hereditary neoplastic syndrome. Identifiers: Orphanet 140162, MedGen C0027672, MeSH D009386, MONDO:0015356.
Hereditary breast ovarian cancer syndrome. Also called: Hereditary breast and ovarian cancer syndrome; Hereditary breast and ovarian cancer; Hereditary breast and ovarian cancer syndrome (HBOC); Breast and ovarian cancer; Hereditary breast and/or ovarian cancer syndrome; BRCA1- and BRCA2-Associated Hereditary Breast and Ovarian Cancer. Identifiers: Orphanet 145, MedGen C0677776, MeSH D061325, MONDO:0003582. Disease mechanism: loss of function.

Submissions (3):

Labcorp Genetics (formerly Invitae), Labcorp
Classification: Uncertain significance for Hereditary breast ovarian cancer syndrome. Last evaluated: 2025-03-31. Review status: criteria provided, single submitter. Criteria: Invitae Variant Classification Sherloc (09022015). Collection method: clinical testing. Allele origin: germline.
Comment: This sequence change replaces asparagine, which is neutral and polar, with aspartic acid, which is acidic and polar, at codon 268 of the BRCA1 protein (p.Asn268Asp). This variant is not present in population databases (gnomAD no frequency). This variant has not been reported in the literature in individuals affected with BRCA1-related conditions. ClinVar contains an entry for this variant (Variation ID: 482933). Invitae Evidence Modeling of protein sequence and biophysical properties (such as structural, functional, and spatial information, amino acid conservation, physicochemical variation, residue mobility, and thermodynamic stability) indicates that this missense variant is not expected to disrupt BRCA1 protein function with a negative predictive value of 80%. In summary, the available evidence is currently insufficient to determine the role of this variant in disease. Therefore, it has been classified as a Variant of Uncertain Significance.

University of Washington Department of Laboratory Medicine, University of Washington
Classification: Likely benign for Hereditary cancer-predisposing syndrome. Last evaluated: 2023-03-23. Review status: criteria provided, single submitter. Criteria: Dines et al. (Genet Med. 2020). Collection method: curation. Allele origin: germline.
Comment: Missense variant in a coldspot region where missense variants are very unlikely to be pathogenic (PMID:31911673).

BRCA1 coldspot (exon 11 using historical exon numbering). Reclassification based on statistical prior probability

Ambry Genetics
Classification: Uncertain significance for Hereditary cancer-predisposing syndrome. Last evaluated: 2017-02-08. Review status: criteria provided, single submitter. Criteria: Ambry Variant Classification Scheme 2023. Collection method: clinical testing. Allele origin: germline.
Comment: The p.N268D variant (also known as c.802A>G), located in coding exon 9 of the BRCA1 gene, results from an A to G substitution at nucleotide position 802. The asparagine at codon 268 is replaced by aspartic acid, an amino acid with highly similar properties. This amino acid position is not well conserved in available vertebrate species. In addition, the in silico prediction for this alteration is inconclusive. Since supporting evidence is limited at this time, the clinical significance of this alteration remains unclear.